The following is an entry in ClinVar:

ClinVar aggregate classification (germline): Uncertain significance. Review status: criteria provided, multiple submitters, no conflicts (2 of 4 stars). 2 submissions from 2 submitters: Uncertain significance (2). Last evaluated 2026-01-19.

Conditions:
Inborn genetic diseases. Identifiers: MedGen C0950123, MeSH D030342.

Allele frequency attached by ClinVar (database versions not stated): gnomAD 0.00002; gnomAD exomes 0.00003 and 0.00004; TOPMed 0.00004; 1000 Genomes Project 30x 0.00016.
gnomAD v4.1: 39 of 1,614,078 alleles (0.0024%); highest among the groups gnomAD compares: Admixed American, 0.012%; no homozygotes.

Submissions (2):

Labcorp Genetics (formerly Invitae), Labcorp
Classification: Uncertain significance. Last evaluated: 2026-01-19. Review status: criteria provided, single submitter. Criteria: Invitae Variant Classification Sherloc (09022015). Collection method: clinical testing. Allele origin: germline.
Comment: This sequence change replaces arginine, which is basic and polar, with cysteine, which is neutral and slightly polar, at codon 63 of the VCAN protein (p.Arg63Cys). This variant is present in population databases (no rsID available, gnomAD 0.02%). This variant has not been reported in the literature in individuals affected with VCAN-related conditions. ClinVar contains an entry for this variant (Variation ID: 963650). An algorithm developed to predict the effect of missense changes on protein structure and function (PolyPhen-2) suggests that this variant is likely to be disruptive. In summary, the available evidence is currently insufficient to determine the role of this variant in disease. Therefore, it has been classified as a Variant of Uncertain Significance.

Ambry Genetics
Classification: Uncertain significance for Inborn genetic diseases. Last evaluated: 2021-09-15. Review status: criteria provided, single submitter. Criteria: Ambry Variant Classification Scheme 2023. Collection method: clinical testing. Allele origin: germline.

NM_004385.5(VCAN):c.187C>T (p.Arg63Cys)

Gene: VCAN (versican; plus strand). Cytogenetic location: 5q14.2.
Variant type: single nucleotide variant.
Coding change: c.187C>T on transcript NM_004385.5 (MANE Select); coding-DNA position 187, C replaced by T.
Protein change: p.Arg63Cys; replaces arginine 63 with cysteine.
Molecular consequence: missense variant.
Genome position (GRCh38, 1-based): chr5:83,490,214, C>T. VCF-style: chr5-83490214-C-T. GRCh37 (hg19) VCF-style: chr5-82786033-C-T.
Other names: c.187C>T, p.Arg63Cys (NM_001126336.3, NM_001164097.2, NM_001164098.2); short protein forms R63C.
Identifiers: ClinVar variation 963650 (VCV000963650.11), dbSNP rs977327386, ClinGen allele CA121775320.
Genomic context (GRCh38, chr5:83,490,214, plus strand): 5'-CCTTGTCATTTTTCAACGATGCCTACTTTGCCACCCAGTTACAACACCAGTGAATTTCTC[C>T]GCATCAAATGGTCTAAGATTGAAGTGGACAAAAATGGAAAAGATTTGAAAGAGACTACTG-3'
Protein context (NP_004376.2, residues 53-73): PPSYNTSEFL[Arg63Cys]IKWSKIEVDK